The following is an entry in ClinVar:

ClinVar aggregate classification (germline): Uncertain significance (1 of 4 stars; one submission).

Conditions:
STRC-related disorder. Also called: STRC-related condition.

gnomAD v4.1: 2 of 716,990 alleles (0.00028%); highest among the groups gnomAD compares: African/African-American, 0.0051%; no homozygotes.

Submission:

PreventionGenetics, part of Exact Sciences
Classification: Uncertain significance for STRC-related condition. Last evaluated: 2025-05-05. Review status: criteria provided, single submitter. Criteria: ACMG Guidelines, 2015. Collection method: clinical testing. Allele origin: germline.
Comment: The STRC c.3486G>T variant is predicted to result in the amino acid substitution p.Trp1162Cys. To our knowledge, this variant has not been reported in the literature. This variant is reported in 0.014% of alleles in individuals of African descent in gnomAD. At this time, the clinical significance of this variant is uncertain due to the absence of conclusive functional and genetic evidence.

NM_153700.2(STRC):c.3486G>T (p.Trp1162Cys)

Gene: STRC (stereocilin; minus strand). Cytogenetic location: 15q15.3.
Variant type: single nucleotide variant.
Coding change: c.3486G>T on transcript NM_153700.2 (MANE Select); coding-DNA position 3486, G replaced by T.
Protein change: p.Trp1162Cys; replaces tryptophan 1162 with cysteine.
Molecular consequence: missense variant.
Genome position (GRCh38, 1-based): chr15:43,610,324, C>A on the plus strand (G>T on the coding strand, the complement: STRC is on the minus strand). VCF-style: chr15-43610324-C-A. GRCh37 (hg19) VCF-style: chr15-43902522-C-A.
Other names: short protein forms W1162C.
Identifiers: ClinVar variation 4999075 (VCV004999075.1).
Genomic context (GRCh38, chr15:43,610,324, plus strand): 5'-TAGACTACATTGAGGGAGGAAGTTCTGAAATTAAGTGGGGAGAATTACCTGCTGCTCAGA[C>A]CAGGGCAGCTCCCAGTAGCGTCTTCGATTTGCCAGAAGAGCCAAGGAATCCAGTTGTAGC-3'
Protein context (NP_714544.1, residues 1152-1172): ANRRRYWELP[Trp1162Cys]SEQQAQFLWK